The following is an entry in ClinVar:

ClinVar aggregate classification (germline): Likely pathogenic (1 of 4 stars; one submission).

Conditions:
COL4A4-related disorder.

Submission:

PreventionGenetics, part of Exact Sciences
Classification: Likely pathogenic for COL4A4-related condition. Last evaluated: 2022-12-21. Review status: criteria provided, single submitter. Criteria: ACMG Guidelines, 2015. Collection method: clinical testing. Allele origin: germline.
Comment: The COL4A4 c.410G>T variant is predicted to result in the amino acid substitution p.Gly137Val. The Gly137Val variant affects a Gly residue of the conserved triple helical domain (residues 65 – 1459) of the COL4A4 protein. The majority of pathogenic variants in COL4A4 substitute a glycine residue to a bulkier amino acid in the triple-helical domain (Hudson et al. 1993. PubMed ID: 8253711). To our knowledge, this variant has not been reported in the literature or in a large population database, indicating this variant is rare. A different substitution at this position (p.Gly137Asp) has been reported in a family with COL4A4-related renal features (Malone et al 2014. PubMed ID: 25229338). This variant is interpreted as likely pathogenic.

NM_000092.5(COL4A4):c.410G>T (p.Gly137Val)

Gene: COL4A4 (collagen type IV alpha 4 chain; minus strand). Cytogenetic location: 2q36.3.
Variant type: single nucleotide variant.
Coding change: c.410G>T on transcript NM_000092.5 (MANE Select); coding-DNA position 410, G replaced by T.
Protein change: p.Gly137Val; replaces glycine 137 with valine.
Molecular consequence: missense variant.
Genome position (GRCh38, 1-based): chr2:227,118,724, C>A on the plus strand (G>T on the coding strand, the complement: COL4A4 is on the minus strand). VCF-style: chr2-227118724-C-A. GRCh37 (hg19) VCF-style: chr2-227983440-C-A.
Other names: short protein forms G137V.
Identifiers: ClinVar variation 2629807 (VCV002629807.1), dbSNP rs377511303, ClinGen allele CA350862075.